The following is an entry in ClinVar:

ClinVar aggregate classification (germline): Uncertain significance (1 of 4 stars; one submission).

Submission:

GeneDx
Classification: Uncertain significance. Last evaluated: 2023-01-10. Review status: criteria provided, single submitter. Criteria: GeneDx Variant Classification Process June 2021. Collection method: clinical testing. Allele origin: germline. Affected: yes.
Comment: Not observed at significant frequency in large population cohorts (gnomAD); In-frame deletion of 2 amino acids in a non-repeat region; In silico analysis supports that this variant does not alter protein structure/function; Has not been previously published as pathogenic or benign to our knowledge

NM_207037.2(TCF12):c.595_600del (p.Pro199_Asn200del)

Gene: TCF12 (transcription factor 12; plus strand). Cytogenetic location: 15q21.3.
Variant type: Deletion.
Coding change: c.595_600del on transcript NM_207037.2 (MANE Select); coding-DNA positions 595 to 600, 6 bases deleted (CCAAAT; older notation c.595_600delCCAAAT).
Protein change: p.Pro199_Asn200del.
Molecular consequence: inframe deletion. On other transcripts: 5 prime UTR variant (1).
Genome position (GRCh38, 1-based): chr15:57,231,167-57,231,172, CCAAAT deleted. VCF-style (leftmost placement, unchanged base first): chr15-57231166-CCCAAAT-C. GRCh37 (hg19) VCF-style: chr15-57523364-CCCAAAT-C.
Other names: c.85_90del, p.Pro29_Asn30del (NM_001306219.3, NM_207040.2); c.27_32del, p.Ile11_Gln12del (NM_001306220.3); c.595_600del, p.Pro199_Asn200del (NM_001322151.2, NM_001322152.2, NM_001322157.3 and 7 more transcripts); c.-63_-58del (NM_001322154.2); c.421_426del, p.Pro141_Asn142del (NM_001322156.2, NM_001322158.2); c.631_636del, p.Pro211_Asn212del (NM_001322164.2).
Identifiers: ClinVar variation 2571722 (VCV002571722.1), dbSNP rs2551437616, ClinGen allele CA2580612801.